The following is an entry in ClinVar:

NM_000051.4(ATM):c.4603del (p.Gln1535fs)

Gene: ATM (ATM serine/threonine kinase; plus strand). Cytogenetic location: 11q22.3.
Variant type: Deletion.
Coding change: c.4603del on transcript NM_000051.4 (MANE Select); coding-DNA position 4603, one base deleted (C; older notation c.4603delC).
Protein change: p.Gln1535fs; shifts the reading frame from glutamine 1535.
Molecular consequence: frameshift variant.
Genome position (GRCh38, 1-based): chr11:108,292,785, C deleted. VCF-style (leftmost placement, unchanged base first): chr11-108292784-TC-T. GRCh37 (hg19) VCF-style: chr11-108163511-TC-T.
Other names: c.4603del, p.Gln1535fs (NM_001351834.2); short protein forms Q1535fs.
Identifiers: ClinVar variation 3148100 (VCV003148100.1), dbSNP rs2546926479, ClinGen allele CA2825001885.
Genomic context (GRCh38, chr11:108,292,784, plus strand): 5'-AAACCATCTTCATGTTATTGTTGGTACACTTATACCCCTTGTGTATGAGCAGGTGGAGGT[TC>T]AGAAACAGGTAATTTTCTGACTCATCTTCAAAATGGTATTTAAAATATATAAAGTATTGT-3'

ClinVar aggregate classification (germline): Pathogenic (1 of 4 stars; one submission).

Conditions:
Familial cancer of breast. Also called: BREAST CANCER, FAMILIAL; Hereditary breast cancer; hereditary breast carcinoma. Identifiers: Orphanet 227535, MedGen C0346153, MONDO:0016419, OMIM 114480. Disease mechanism: loss of function.

Submission:

Myriad Genetics, Inc.
Classification: Pathogenic for Familial cancer of breast. Last evaluated: 2024-01-24. Review status: criteria provided, single submitter. Criteria: Myriad Autosomal Dominant, Autosomal Recessive and X-Linked Classification Criteria (2023). Collection method: clinical testing. Allele origin: unknown.
Comment: This variant is considered pathogenic. This variant creates a frameshift predicted to result in premature protein truncation.